The following is an entry in ClinVar:

ClinVar aggregate classification (germline): Pathogenic (1 of 4 stars; one submission).

Conditions:
Succinate-semialdehyde dehydrogenase deficiency (SSADHD). Also called: 4-HYDROXYBUTYRIC ACIDURIA; GABA METABOLIC DEFECT; SSADH DEFICIENCY; Succinic Semialdehyde Dehydrogenase Deficiency. Identifiers: Orphanet 22, MedGen C0268631, MONDO:0010083, OMIM 271980.

Submission:

Labcorp Genetics (formerly Invitae), Labcorp
Classification: Pathogenic for Succinate-semialdehyde dehydrogenase deficiency. Last evaluated: 2023-10-13. Review status: criteria provided, single submitter. Criteria: Invitae Variant Classification Sherloc (09022015). Collection method: clinical testing. Allele origin: germline.
Comment: This sequence change creates a premature translational stop signal (p.Lys508Profs*20) in the ALDH5A1 gene. While this is not anticipated to result in nonsense mediated decay, it is expected to disrupt the last 28 amino acid(s) of the ALDH5A1 protein. This variant is not present in population databases (gnomAD no frequency). This variant has not been reported in the literature in individuals affected with ALDH5A1-related conditions. ClinVar contains an entry for this variant (Variation ID: 835064). This variant disrupts a region of the ALDH5A1 protein in which other variant(s) (p.Arg514*) have been determined to be pathogenic (PMID: 14635103). This suggests that this is a clinically significant region of the protein, and that variants that disrupt it are likely to be disease-causing. For these reasons, this variant has been classified as Pathogenic.

Literature cited by the submitters: PubMed 14635103.

NM_001080.3(ALDH5A1):c.1506_1521dup (p.Lys508fs)

Gene: ALDH5A1 (aldehyde dehydrogenase 5 family member A1; plus strand). Cytogenetic location: 6p22.3.
Variant type: Duplication.
Coding change: c.1506_1521dup on transcript NM_001080.3 (MANE Select); coding-DNA positions 1506 to 1521, 16 bases duplicated (CCCTTTTGGTGGAGTG).
Protein change: p.Lys508fs; shifts the reading frame from lysine 508.
Molecular consequence: frameshift variant.
Genome position (GRCh38, 1-based): chr6:24,533,610-24,533,625, CCCTTTTGGTGGAGTG duplicated; duplicating any 16 consecutive bases within chr6:24,533,602-24,533,625 gives the same sequence; the c. name uses the placement nearest the transcript's 3' end. VCF-style (leftmost placement, unchanged base first): chr6-24533601-T-TGTGGAGTGCCCTTTTG. GRCh37 (hg19) VCF-style: chr6-24533829-T-TGTGGAGTGCCCTTTTG.
Other names: c.1362_1377dup, p.Lys460fs (NM_001368954.1); c.1545_1560dup, p.Lys521fs (NM_170740.1); short protein forms K460fs, K508fs, K521fs.
Identifiers: ClinVar variation 835064 (VCV000835064.7), dbSNP rs1759979356, ClinGen allele CA916082807.
Genomic context (GRCh38, chr6:24,533,601, plus strand): 5'-GAGAGTGGCAGAGCAGCTGGAAGTGGGCATGGTTGGCGTCAACGAAGGATTAATTTCCTC[T>TGTGGAGTGCCCTTTTG]GTGGAGTGCCCTTTTGGTGGAGTGAAGCAGTCCGGCCTTGGGCGAGAGGGGTCCAAGTAT-3'